The following is an entry in ClinVar:

NM_006517.5(SLC16A2):c.1297C>G (p.Pro433Ala)

Gene: SLC16A2 (solute carrier family 16 member 2; plus strand). Cytogenetic location: Xq13.2.
Variant type: single nucleotide variant.
Coding change: c.1297C>G on transcript NM_006517.5 (MANE Select); coding-DNA position 1297, C replaced by G.
Protein change: p.Pro433Ala; replaces proline 433 with alanine.
Molecular consequence: missense variant.
Genome position (GRCh38, 1-based): chrX:74,529,339, C>G. VCF-style: chrX-74529339-C-G. GRCh37 (hg19) VCF-style: chrX-73749174-C-G.
Other names: short protein forms P433A.
Identifiers: ClinVar variation 4747561 (VCV004747561.1).

ClinVar aggregate classification (germline): Uncertain significance (1 of 4 stars; one submission).

Conditions:
Spastic paraplegia. Identifiers: MedGen C0037772, HP:0001258.

Submission:

Labcorp Genetics (formerly Invitae), Labcorp
Classification: Uncertain significance for Spastic paraplegia. Last evaluated: 2025-12-11. Review status: criteria provided, single submitter. Criteria: Invitae Variant Classification Sherloc (09022015). Collection method: clinical testing. Allele origin: germline.
Comment: This sequence change replaces proline, which is neutral and non-polar, with alanine, which is neutral and non-polar, at codon 433 of the SLC16A2 protein (p.Pro433Ala). This variant is not present in population databases (gnomAD no frequency). This variant has not been reported in the literature in individuals affected with SLC16A2-related conditions. Invitae Evidence Modeling of protein sequence and biophysical properties (such as structural, functional, and spatial information, amino acid conservation, physicochemical variation, residue mobility, and thermodynamic stability) indicates that this missense variant is expected to disrupt SLC16A2 protein function with a positive predictive value of 80%. In summary, the available evidence is currently insufficient to determine the role of this variant in disease. Therefore, it has been classified as a Variant of Uncertain Significance.